The following is an entry in ClinVar:

NM_005475.3(SH2B3):c.1409G>A (p.Gly470Asp)

Gene: SH2B3 (SH2B adaptor protein 3; plus strand). Cytogenetic location: 12q24.12.
Variant type: single nucleotide variant.
Coding change: c.1409G>A on transcript NM_005475.3 (MANE Select); coding-DNA position 1409, G replaced by A.
Protein change: p.Gly470Asp; replaces glycine 470 with aspartic acid.
Molecular consequence: missense variant.
Genome position (GRCh38, 1-based): chr12:111,447,983, G>A. VCF-style: chr12-111447983-G-A. GRCh37 (hg19) VCF-style: chr12-111885787-G-A.
Other names: c.803G>A, p.Gly268Asp (NM_001291424.1); short protein forms G470D, G268D.
Identifiers: ClinVar variation 4630725 (VCV004630725.1).
Genomic context (GRCh38, chr12:111,447,983, plus strand): 5'-TGTCCTGTCAGCACTTGCCTCAAGACTGATGGTGTGGTCTCTCTTGGTCACTTGTCCTAG[G>A]TTCCTGCAACACGGTCCTCTTCCCTTTCTCCCTTCCTCACTGGGATTCAGAGTCCCTTCC-3'
Protein context (NP_005466.1, residues 460-480): SYVVVVSQPP[Gly470Asp]SCNTVLFPFS

ClinVar aggregate classification (germline): Uncertain significance (1 of 4 stars; one submission).

Conditions:
Inborn genetic diseases. Identifiers: MedGen C0950123, MeSH D030342.

Submission:

Ambry Genetics
Classification: Uncertain significance for Inborn genetic diseases. Last evaluated: 2025-10-21. Review status: criteria provided, single submitter. Criteria: Ambry Variant Classification Scheme 2023. Collection method: clinical testing. Allele origin: germline.
Comment: The p.G470D variant (also known as c.1409G>A) is located in coding exon 7 of the SH2B3 gene. The glycine at codon 470 is replaced by aspartic acid, an amino acid with similar properties. This change occurs in the first base pair of coding exon 7. This amino acid position is conserved. In addition, this alteration is predicted to be tolerated by in silico analysis. Based on the available evidence, the clinical significance of this variant remains unclear.